The following is an entry in ClinVar:

ClinVar aggregate classification (germline): Likely benign (1 of 4 stars; one submission).

Submission:

CeGaT Center for Human Genetics Tuebingen
Classification: Likely benign. Last evaluated: 2025-07-01. Review status: criteria provided, single submitter. Criteria: CeGaT Center For Human Genetics Tuebingen Variant Classification Criteria Version 2. Collection method: clinical testing. Allele origin: germline. Affected: yes. Observed: 1 variant allele.
Comment: MBD5: PM2:Supporting, BP4, BP7

NM_001378120.1(MBD5):c.4419G>C (p.Leu1473=)

Gene: MBD5 (methyl-CpG binding domain protein 5; plus strand). Cytogenetic location: 2q23.1.
Variant type: single nucleotide variant.
Coding change: c.4419G>C on transcript NM_001378120.1 (MANE Select); coding-DNA position 4419, G replaced by C.
Protein change: p.Leu1473=; no amino-acid change (leucine 1473 retained).
Molecular consequence: synonymous variant.
Genome position (GRCh38, 1-based): chr2:148,490,051, G>C. VCF-style: chr2-148490051-G-C. GRCh37 (hg19) VCF-style: chr2-149247620-G-C.
Other names: c.4419G>C, p.Leu1473= (NM_001438854.1, NM_001438856.1, NM_001438857.1 and 1 more transcripts); c.3720G>C, p.Leu1240= (NM_001438855.1, NM_001438859.1, NM_001438860.1 and 3 more transcripts).
Identifiers: ClinVar variation 4085582 (VCV004085582.8).